The following is an entry in ClinVar:

NM_133379.5(TTN):c.14911A>G (p.Ile4971Val)

Genes: TTN (titin; minus strand), LOC126806432 (CDK7 strongly-dependent group 2 enhancer GRCh37_chr2:179611985-179613184; plus strand). Cytogenetic location: 2q31.2.
Variant type: single nucleotide variant.
Coding change: c.14911A>G on transcript NM_133379.5; coding-DNA position 14911, A replaced by G.
Protein change: p.Ile4971Val; replaces isoleucine 4971 with valine.
Molecular consequence: missense variant. On other transcripts: intron variant (6).
Genome position (GRCh38, 1-based): chr2:178,747,489, T>C on the plus strand (A>G on the coding strand, the complement: TTN is on the minus strand). VCF-style: chr2-178747489-T-C. GRCh37 (hg19) VCF-style: chr2-179612216-T-C.
Other names: c.10223-5568A>G (NM_003319.4); c.10799-5568A>G (NM_133437.4); c.10598-5568A>G (NM_133432.3); c.10360+5635A>G (NM_133378.4); c.10361-5568A>G (NM_001256850.1); c.11312-5568A>G (NM_001267550.2); c.14911A>G (NM_133379.4); short protein forms I4971V.
Identifiers: ClinVar variation 179175 (VCV000179175.7), dbSNP rs727504687, ClinGen allele CA183872.
Genomic context (GRCh38, chr2:178,747,489, plus strand): 5'-GTGGGGTATAAAACTGATCTAACTCAGATATTTCTTCACTGGTTGTACTTCCCACACCAA[T>C]GGAAATGTCAGACTCAGGAGAAAGTGGACGACCTAGTGATTCCTGTTTCTGGTTGTAGTA-3'

ClinVar aggregate classification (germline): Uncertain significance. Review status: criteria provided, multiple submitters, no conflicts (2 of 4 stars). 3 submissions from 3 submitters: Uncertain significance (3). Last evaluated 2025-06-02.

Conditions:
TTN-related disorder. Also called: TTN-related condition; TTN-related disease; TTN-related disorders.
Tibial muscular dystrophy (TMD). Also called: Udd Distal Myopathy – Tibial Muscular Dystrophy; UDD MYOPATHY; Tibial muscular dystrophy, tardive. Identifiers: Orphanet 609, MedGen C1838244, MONDO:0010870, OMIM 600334.
Myopathy, myofibrillar, 9, with early respiratory failure (MFM9). Also called: Hereditary myopathy with early respiratory failure; EDSTROM MYOPATHY; MYOPATHY, PROXIMAL, WITH EARLY RESPIRATORY MUSCLE INVOLVEMENT; Myopathy, distal, with early respiratory failure, autosomal dominant. Identifiers: Orphanet 178464, Orphanet 34521, MedGen C1863599, MONDO:0011362, OMIM 603689.
Dilated cardiomyopathy 1G (CMD1G). Identifiers: Orphanet 154, MedGen C1858763, MONDO:0011400, OMIM 604145.
Hypertrophic cardiomyopathy 9. Also called: Familial hypertrophic cardiomyopathy 9. Identifiers: MedGen C1861065, MONDO:0013412, OMIM 613765.
Autosomal recessive limb-girdle muscular dystrophy type 2J (LGMDR10). Also called: Limb-girdle muscular dystrophy, type 2J; MUSCULAR DYSTROPHY, LIMB-GIRDLE, AUTOSOMAL RECESSIVE 10. Identifiers: Orphanet 140922, MedGen C1837342, MONDO:0012127, OMIM 608807.
Early-onset myopathy with fatal cardiomyopathy (CMYO5). Also called: CONGENITAL MYOPATHY 5 WITH CARDIOMYOPATHY; Salih Myopathy. Identifiers: Orphanet 289377, MedGen C2673677, MONDO:0012714, OMIM 611705. Disease mechanism: loss of function.

Allele frequency attached by ClinVar (database versions not stated): ExAC 0.00002; gnomAD 0.00003 and 0.00004; gnomAD exomes 0.00003 and 0.00004; TOPMed 0.00005.
gnomAD v4.1: 54 of 1,613,402 alleles (0.0033%); highest among the groups gnomAD compares: Middle Eastern, 0.15%; no homozygotes.

Submissions (3):

PreventionGenetics, part of Exact Sciences
Classification: Uncertain significance for TTN-related condition. Last evaluated: 2025-06-02. Review status: criteria provided, single submitter. Criteria: ACMG Guidelines, 2015. Collection method: clinical testing. Allele origin: germline.
Comment: The TTN c.14911A>G variant is predicted to result in the amino acid substitution p.Ile4971Val. To our knowledge, this variant has not been reported in the literature. This variant is reported in 0.0098% of alleles in individuals of South Asian descent in gnomAD. At this time, the clinical significance of this variant is uncertain due to the absence of conclusive functional and genetic evidence.

Fulgent Genetics
Classification: Uncertain significance for Tibial muscular dystrophy; Myopathy, myofibrillar, 9, with early respiratory failure; Dilated cardiomyopathy 1G; Autosomal recessive limb-girdle muscular dystrophy type 2J; Early-onset myopathy with fatal cardiomyopathy; Hypertrophic cardiomyopathy 9. Last evaluated: 2022-01-24. Review status: criteria provided, single submitter. Criteria: ACMG Guidelines, 2015. Collection method: clinical testing. Allele origin: unknown.

Laboratory for Molecular Medicine, Mass General Brigham Personalized Medicine
Classification: Uncertain significance. Last evaluated: 2013-08-15. Review status: criteria provided, single submitter. Criteria: LMM Criteria. Collection method: clinical testing. Allele origin: germline. Observed: 1 variant allele.
Comment: The Ile4971Val variant in TTN has not been reported in individuals with cardiomy opathy or in large population studies. Computational analyses are limited or un available for this variant. Additional information is needed to fully assess the clinical significance of the Ile4971Val variant.